The following is an entry in ClinVar:

ClinVar aggregate classification (germline): Likely benign. Review status: criteria provided, multiple submitters, no conflicts (2 of 4 stars). 2 submissions from 2 submitters: Likely benign (2). Last evaluated 2025-03-19.

Conditions:
Intellectual developmental disorder, autosomal dominant 1. Also called: Intellectual disability, autosomal dominant 1; MBD5 Haploinsufficiency. Identifiers: Orphanet 228402, MedGen C1969562, MONDO:0007974, OMIM 156200.

Allele frequency attached by ClinVar (database versions not stated): TOPMed 0.00001; gnomAD exomes below 0.00001; gnomAD 0.00001.
gnomAD v4.1: 2 of 1,613,972 alleles (0.00012%); highest among the groups gnomAD compares: Admixed American, 0.0017%; no homozygotes.

Submissions (2):

Labcorp Genetics (formerly Invitae), Labcorp
Classification: Likely benign for Intellectual developmental disorder, autosomal dominant 1. Last evaluated: 2025-03-19. Review status: criteria provided, single submitter. Criteria: Invitae Variant Classification Sherloc (09022015). Collection method: clinical testing. Allele origin: germline.

GeneDx
Classification: Likely benign. Last evaluated: 2019-12-31. Review status: criteria provided, single submitter. Criteria: GeneDx Variant Classification Process June 2021. Collection method: clinical testing. Allele origin: germline. Affected: yes.
Comment: Missense variant in a gene in which most reported pathogenic variants are truncating/loss-of-function; In silico analysis, which includes protein predictors and evolutionary conservation, supports that this variant does not alter protein structure/function; Has not been previously published as pathogenic or benign to our knowledge

NM_001378120.1(MBD5):c.4106T>C (p.Leu1369Pro)

Gene: MBD5 (methyl-CpG binding domain protein 5; plus strand). Cytogenetic location: 2q23.1.
Variant type: single nucleotide variant.
Coding change: c.4106T>C on transcript NM_001378120.1 (MANE Select); coding-DNA position 4106, T replaced by C.
Protein change: p.Leu1369Pro; replaces leucine 1369 with proline.
Molecular consequence: missense variant.
Genome position (GRCh38, 1-based): chr2:148,489,738, T>C. VCF-style: chr2-148489738-T-C. GRCh37 (hg19) VCF-style: chr2-149247307-T-C.
Other names: c.3407T>C, p.Leu1136Pro (NM_018328.5); short protein forms L1136P, L1369P.
Identifiers: ClinVar variation 658261 (VCV000658261.14), dbSNP rs1406103855, ClinGen allele CA348728036.
Genomic context (GRCh38, chr2:148,489,738, plus strand): 5'-CCATTCCAGCTCTGAGTGCCATGAGTGCCTTCACTGCCTCAATTGGTGACCCATTAAATC[T>C]CTCCAGTGCTGTCAGTGCGGTCATTCATGGACGGAACATGGGAGGTGTTGATCATGATGG-3'
Protein context (NP_001365049.1, residues 1359-1379): FTASIGDPLN[Leu1369Pro]SSAVSAVIHG